The following is an entry in ClinVar:

ClinVar aggregate classification (germline): Uncertain significance. Review status: criteria provided, multiple submitters, no conflicts (2 of 4 stars). 3 submissions from 3 submitters: Uncertain significance (3). Last evaluated 2025-01-13.

Conditions:
Cone-rod dystrophy 15 (CORD15). Identifiers: MedGen C3150912, MONDO:0013348, OMIM 613660.
Retinal dystrophy. Also called: Inherited retinal dystrophy. Identifiers: Orphanet 71862, MedGen C0854723, MeSH D058499, MONDO:0019118, HP:0000556.

Allele frequency attached by ClinVar (database versions not stated): gnomAD exomes below 0.00001.
gnomAD v4.1: 2 of 1,614,080 alleles (0.00012%); highest among the groups gnomAD compares: Middle Eastern, 0.016%; no homozygotes.

Submissions (3):

Labcorp Genetics (formerly Invitae), Labcorp
Classification: Uncertain significance. Last evaluated: 2025-01-13. Review status: criteria provided, single submitter. Criteria: Invitae Variant Classification Sherloc (09022015). Collection method: clinical testing. Allele origin: germline.
Comment: This sequence change replaces glutamic acid, which is acidic and polar, with glycine, which is neutral and non-polar, at codon 99 of the CDHR1 protein (p.Glu99Gly). This variant is not present in population databases (gnomAD no frequency). This missense change has been observed in individual(s) with clinical features of CDHR1-related conditions (PMID: 28765526, 32531858, 37734845). ClinVar contains an entry for this variant (Variation ID: 2136899). An algorithm developed to predict the effect of missense changes on protein structure and function (PolyPhen-2) suggests that this variant is likely to be disruptive. Experimental studies have shown that this missense change affects CDHR1 function (PMID: 35627310). Algorithms developed to predict the effect of sequence changes on RNA splicing suggest that this variant may disrupt the consensus splice site. In summary, the available evidence is currently insufficient to determine the role of this variant in disease. Therefore, it has been classified as a Variant of Uncertain Significance.

Intergen Genetics and Rare Diseases Diagnosis Center
Classification: Uncertain significance for Cone-rod dystrophy 15. Last evaluated: 2023-11-14. Review status: criteria provided, single submitter. Criteria: ACMG Guidelines, 2015. Collection method: clinical testing. Allele origin: germline. Inheritance: Autosomal recessive inheritance. Observed: 1 heterozygote.

Institute of Human Genetics, Univ. Regensburg, Univ. Regensburg
Classification: Uncertain significance for Retinal dystrophy. Last evaluated: 2023-01-01. Review status: criteria provided, single submitter. Criteria: ACMG Guidelines, 2015. Collection method: clinical testing. Allele origin: germline. Affected: yes.

Literature cited by the submitters: PubMed 28765526 (cited by Labcorp Genetics (formerly Invitae), Labcorp and Institute of Human Genetics, Univ. Regensburg, Univ. Regensburg); PubMed 32531858 (cited by Labcorp Genetics (formerly Invitae), Labcorp and Institute of Human Genetics, Univ. Regensburg, Univ. Regensburg); PubMed 37734845 (cited by Labcorp Genetics (formerly Invitae), Labcorp); PubMed 35627310 (cited by Labcorp Genetics (formerly Invitae), Labcorp); PubMed 34426522 (cited by Institute of Human Genetics, Univ. Regensburg, Univ. Regensburg).

NM_033100.4(CDHR1):c.296A>G (p.Glu99Gly)

Gene: CDHR1 (cadherin related family member 1; plus strand). Cytogenetic location: 10q23.1.
Variant type: single nucleotide variant.
Coding change: c.296A>G on transcript NM_033100.4 (MANE Select); coding-DNA position 296, A replaced by G.
Protein change: p.Glu99Gly; replaces glutamic acid 99 with glycine.
Molecular consequence: missense variant.
Genome position (GRCh38, 1-based): chr10:84,196,649, A>G. VCF-style: chr10-84196649-A-G. GRCh37 (hg19) VCF-style: chr10-85956405-A-G.
Other names: c.296A>G, p.Glu99Gly (NM_001171971.3); short protein forms E99G.
Identifiers: ClinVar variation 2136899 (VCV002136899.6), dbSNP rs2492466968, ClinGen allele CA377370498.
Genomic context (GRCh38, chr10:84,196,649, plus strand): 5'-GCGTCTTTTCTGTTGACCCCACTTTTGGAAACATCACCCTGGTTGAAGAGCTGGACAGAG[A>G]GGTATGGGGAGGTGTGGGGAGTGCTGCGGGGCCACTGCCTGTAGACAGACCTCGGTGGGC-3'
Protein context (NP_149091.1, residues 89-109): NITLVEELDR[Glu99Gly]REDEIEAIIS